The following is an entry in ClinVar:

NM_194277.3(FRMD7):c.1767G>T (p.Arg589Ser)

Gene: FRMD7 (FERM domain containing 7; minus strand). Cytogenetic location: Xq26.2.
Variant type: single nucleotide variant.
Coding change: c.1767G>T on transcript NM_194277.3 (MANE Select); coding-DNA position 1767, G replaced by T.
Protein change: p.Arg589Ser; replaces arginine 589 with serine.
Molecular consequence: missense variant.
Genome position (GRCh38, 1-based): chrX:132,078,250, C>A on the plus strand (G>T on the coding strand, the complement: FRMD7 is on the minus strand). VCF-style: chrX-132078250-C-A. GRCh37 (hg19) VCF-style: chrX-131212278-C-A.
Other names: c.1722G>T, p.Arg574Ser (NM_001306193.2); c.1767G>T (NM_194277.2); short protein forms R574S, R589S.
Identifiers: ClinVar variation 1494145 (VCV001494145.9), dbSNP rs760487000, ClinGen allele CA10518819.

ClinVar aggregate classification (germline): Uncertain significance. Review status: criteria provided, multiple submitters, no conflicts (2 of 4 stars). 2 submissions from 2 submitters: Uncertain significance (2). Last evaluated 2024-10-03.

Conditions:
Inborn genetic diseases. Identifiers: MedGen C0950123, MeSH D030342.

Allele frequency attached by ClinVar (database versions not stated): gnomAD exomes 0.00001 and below 0.00001; TOPMed 0.00001; ExAC 0.00002.
gnomAD v4.1: 2 of 1,211,065 alleles (0.00017%); highest among the groups gnomAD compares: Admixed American, 0.0043%; no homozygotes.

Submissions (2):

Ambry Genetics
Classification: Uncertain significance for Inborn genetic diseases. Last evaluated: 2024-10-03. Review status: criteria provided, single submitter. Criteria: Ambry Variant Classification Scheme 2023. Collection method: clinical testing. Allele origin: germline.

Labcorp Genetics (formerly Invitae), Labcorp
Classification: Uncertain significance. Last evaluated: 2020-12-17. Review status: criteria provided, single submitter. Criteria: Invitae Variant Classification Sherloc (09022015). Collection method: clinical testing. Allele origin: germline.
Comment: In summary, the available evidence is currently insufficient to determine the role of this variant in disease. Therefore, it has been classified as a Variant of Uncertain Significance. Algorithms developed to predict the effect of missense changes on protein structure and function are either unavailable or do not agree on the potential impact of this missense change (SIFT: "Deleterious"; PolyPhen-2: "Benign"; Align-GVGD: "Class C0"). This variant has not been reported in the literature in individuals with FRMD7-related conditions. This variant is present in population databases (rs760487000, ExAC 0.02%), including at least one homozygous and/or hemizygous individual. This sequence change replaces arginine with serine at codon 589 of the FRMD7 protein (p.Arg589Ser). The arginine residue is highly conserved and there is a moderate physicochemical difference between arginine and serine.